The following is an entry in ClinVar:

NM_020884.7(MYH7B):c.1487T>G (p.Met496Arg)

Gene: MYH7B (myosin heavy chain 7B; plus strand). Cytogenetic location: 20q11.22.
Variant type: single nucleotide variant.
Coding change: c.1487T>G on transcript NM_020884.7 (MANE Select); coding-DNA position 1487, T replaced by G.
Protein change: p.Met496Arg; replaces methionine 496 with arginine.
Molecular consequence: missense variant.
Genome position (GRCh38, 1-based): chr20:34,988,162, T>G. VCF-style: chr20-34988162-T-G. GRCh37 (hg19) VCF-style: chr20-33575965-T-G.
Other names: short protein forms M496R.
Identifiers: ClinVar variation 4698375 (VCV004698375.1).

ClinVar aggregate classification (germline): Uncertain significance (1 of 4 stars; one submission).

gnomAD v4.1: 16 of 1,608,802 alleles (0.00099%); highest among the groups gnomAD compares: Admixed American, 0.013%; no homozygotes.

Submission:

Labcorp Genetics (formerly Invitae), Labcorp
Classification: Uncertain significance. Last evaluated: 2025-06-15. Review status: criteria provided, single submitter. Criteria: Invitae Variant Classification Sherloc (09022015). Collection method: clinical testing. Allele origin: germline.
Comment: This sequence change replaces methionine, which is neutral and non-polar, with arginine, which is basic and polar, at codon 538 of the MYH7B protein (p.Met538Arg). This variant is present in population databases (rs758909698, gnomAD 0.006%). This variant has not been reported in the literature in individuals affected with MYH7B-related conditions. Invitae Evidence Modeling of protein sequence and biophysical properties (such as structural, functional, and spatial information, amino acid conservation, physicochemical variation, residue mobility, and thermodynamic stability) indicates that this missense variant is expected to disrupt MYH7B protein function with a positive predictive value of 80%. In summary, the available evidence is currently insufficient to determine the role of this variant in disease. Therefore, it has been classified as a Variant of Uncertain Significance.